The following is an entry in ClinVar:

ClinVar aggregate classification (germline): Likely pathogenic (1 of 4 stars; one submission).

Conditions:
Autosomal recessive polycystic kidney disease (ARPKD). Also called: AR polycystic kidney disease. Identifiers: Orphanet 731, Orphanet 8378, MedGen C0085548, MeSH D017044, MONDO:0009889.

Submission:

Natera, Inc.
Classification: Likely pathogenic for Autosomal recessive polycystic kidney disease. Last evaluated: 2024-07-16. Review status: criteria provided, single submitter. Criteria: Natera Variant Classification Schema (03/2026). Collection method: clinical testing. Allele origin: germline.
Comment: The c.1234-1G>T variant in PKHD1 is a canonical splice acceptor site variant predicted to affect pre-mRNA splicing, which may result in an abnormal transcript and altered protein product. This variant is expected to result in nonsense mediated decay, truncation, or a dysfunctional protein product. This variant is rare in the general population with a frequency below the threshold expected for the associated phenotype(s). Given the available evidence, this variant is classified as Likely Pathogenic.

NM_138694.4(PKHD1):c.1234-1G>T

Gene: PKHD1 (PKHD1 ciliary IPT domain containing fibrocystin/polyductin; minus strand). Cytogenetic location: 6p12.2.
Variant type: single nucleotide variant.
Coding change: c.1234-1G>T on transcript NM_138694.4 (MANE Select); the canonical splice acceptor site of the intron before coding-DNA position 1234, G replaced by T.
Molecular consequence: splice acceptor variant.
Genome position (GRCh38, 1-based): chr6:52,058,602, C>A on the plus strand (G>T on the coding strand, the complement: PKHD1 is on the minus strand). VCF-style: chr6-52058602-C-A. GRCh37 (hg19) VCF-style: chr6-51923400-C-A.
Other names: c.1234-1G>T (NM_170724.3).
Identifiers: ClinVar variation 4816571 (VCV004816571.1).